The following is an entry in ClinVar:

ClinVar aggregate classification (germline): Benign. Review status: no assertion criteria provided (0 of 4 stars). 2 submissions from 2 submitters: Benign (1). 1 of the submissions does not count toward it. Last evaluated 2019-10-28.

Conditions:
NRG1-related disorder. Also called: NRG1-related condition.

Allele frequency attached by ClinVar (database versions not stated): TOPMed 0.00406; 1000 Genomes Project 30x 0.00531; 1000 Genomes Project 0.00619; ESP Exome Variant Server 0.00230.
gnomAD v4.1: 903 of 1,124,844 alleles (0.08%); highest among the groups gnomAD compares: African/African-American, 1.4%; 8 homozygotes.

Submissions (2):

PreventionGenetics, part of Exact Sciences
Classification: Benign for NRG1-related condition. Last evaluated: 2019-10-28. Review status: no assertion criteria provided. Collection method: clinical testing. Allele origin: germline.
Comment: This variant is classified as benign based on ACMG/AMP sequence variant interpretation guidelines (Richards et al. 2015 PMID: 25741868, with internal and published modifications).

Psychiatry Genetics Yale University
No classification provided. Review status: no classification provided. Collection method: not provided. Allele origin: not provided. Not counted in ClinVar's aggregate classification.

NM_013962.3(NRG1):c.11G>A (p.Arg4Gln)

Gene: NRG1 (neuregulin 1; plus strand). Cytogenetic location: 8p12.
Variant type: single nucleotide variant.
Coding change: c.11G>A on transcript NM_013962.3; coding-DNA position 11, G replaced by A.
Protein change: p.Arg4Gln; replaces arginine 4 with glutamine.
Molecular consequence: missense variant. On other transcripts: intron variant (5).
Genome position (GRCh38, 1-based): chr8:31,639,995, G>A. VCF-style: chr8-31639995-G-A. GRCh37 (hg19) VCF-style: chr8-31497511-G-A.
Other names: c.37+564G>A (NM_001159999.3, NM_001159995.3, NM_001160001.3); c.-556+564G>A (NM_001322201.2); c.-505+564G>A (NM_001322202.2); short protein forms R4Q.
Identifiers: ClinVar variation 98380 (VCV000098380.4), dbSNP rs367543150, ClinGen allele CA225629.